The following is an entry in ClinVar:

ClinVar aggregate classification (germline): Pathogenic/Likely pathogenic. Review status: criteria provided, multiple submitters, no conflicts (2 of 4 stars). 3 submissions from 3 submitters: Pathogenic (1); Likely pathogenic (1). 1 of the submissions does not count toward it. Last evaluated 2024-01-09.

Conditions:
OTOG-related disorder. Also called: OTOG-related condition.

Allele frequency attached by ClinVar (database versions not stated): gnomAD exomes 0.00002 and 0.00003; ExAC 0.00006.
gnomAD v4.1: 33 of 1,550,448 alleles (0.0021%); highest among the groups gnomAD compares: Non-Finnish European, 0.0026%; no homozygotes.

Submissions (3):

Blueprint Genetics
Classification: Likely pathogenic for OTOG-related disorders. Last evaluated: 2024-01-09. Review status: criteria provided, single submitter. Criteria: ACMG Guidelines, 2015. Collection method: clinical testing. Allele origin: germline. Affected: yes. Observed: 4 variant alleles.

Labcorp Genetics (formerly Invitae), Labcorp
Classification: Pathogenic. Last evaluated: 2020-04-15. Review status: criteria provided, single submitter. Criteria: Invitae Variant Classification Sherloc (09022015). Collection method: clinical testing. Allele origin: germline.
Comment: This sequence change creates a premature translational stop signal (p.Arg1915*) in the OTOG gene. It is expected to result in an absent or disrupted protein product. This variant is present in population databases (rs761287044, ExAC 0.01%). This variant has not been reported in the literature in individuals with OTOG-related disease. Loss-of-function variants in OTOG are known to be pathogenic (PMID: 23122587). For these reasons, this variant has been classified as Pathogenic.

PreventionGenetics, part of Exact Sciences
Classification: Pathogenic for OTOG-related condition. Last evaluated: 2024-03-20. Review status: no assertion criteria provided. Collection method: clinical testing. Allele origin: germline. Not counted in ClinVar's aggregate classification.
Comment: The OTOG c.5743C>T variant is predicted to result in premature protein termination (p.Arg1915*). This variant was reported in the homozygous state in an individual with sensorineural hearing loss (Palumbo et al. 2020. PubMed ID: 32244554). This variant is reported in 0.0089% of alleles in individuals of South Asian descent in gnomAD. Nonsense variants in OTOG are expected to be pathogenic. This variant is interpreted as pathogenic.

Literature cited by the submitters: PubMed 23122587 (cited by Labcorp Genetics (formerly Invitae), Labcorp).

NM_001292063.2(OTOG):c.5707C>T (p.Arg1903Ter)

Gene: OTOG (otogelin; plus strand). Cytogenetic location: 11p15.1.
Variant type: single nucleotide variant.
Coding change: c.5707C>T on transcript NM_001292063.2 (MANE Select); coding-DNA position 5707, C replaced by T.
Protein change: p.Arg1903Ter; replaces arginine 1903 with a stop codon.
Molecular consequence: nonsense.
Genome position (GRCh38, 1-based): chr11:17,611,007, C>T. VCF-style: chr11-17611007-C-T. GRCh37 (hg19) VCF-style: chr11-17632554-C-T.
Other names: c.5743C>T, p.Arg1915Ter (NM_001277269.2); c.5743C>T (NM_001277269.1); short protein forms R1903*, R1915*.
Identifiers: ClinVar variation 1074443 (VCV001074443.4), dbSNP rs761287044, ClinGen allele CA5905948.